The following is an entry in ClinVar:

NM_001013838.3(CARMIL2):c.2809_2811del (p.Lys937del)

Gene: CARMIL2 (capping protein regulator and myosin 1 linker 2; plus strand). Cytogenetic location: 16q22.1.
Variant type: Deletion.
Coding change: c.2809_2811del on transcript NM_001013838.3 (MANE Select); coding-DNA positions 2809 to 2811, 3 bases deleted (AAG; older notation c.2809_2811delAAG).
Protein change: p.Lys937del; deletes lysine 937.
Molecular consequence: inframe deletion.
Genome position (GRCh38, 1-based): chr16:67,652,331-67,652,333, AAG deleted; deleting any 3 consecutive bases within chr16:67,652,329-67,652,333 gives the same sequence; the c. name uses the placement nearest the transcript's 3' end. VCF-style (leftmost placement, unchanged base first): chr16-67652328-GAGA-G. GRCh37 (hg19) VCF-style: chr16-67686231-GAGA-G.
Other names: p.Lys937del; c.2701_2703del, p.Lys901del (NM_001317026.3); short protein forms K901del, K937del.
Identifiers: ClinVar variation 1166459 (VCV001166459.11), dbSNP rs144268948, ClinGen allele CA8113890.

ClinVar aggregate classification (germline): Benign/Likely benign. Review status: criteria provided, multiple submitters, no conflicts (2 of 4 stars). 3 submissions from 3 submitters: Benign (2); Likely benign (1). Last evaluated 2026-01-27.

Submissions (3):

Labcorp Genetics (formerly Invitae), Labcorp
Classification: Benign. Last evaluated: 2026-01-27. Review status: criteria provided, single submitter. Criteria: Invitae Variant Classification Sherloc (09022015). Collection method: clinical testing. Allele origin: germline.

Blueprint Genetics
Classification: Likely benign. Last evaluated: 2024-11-27. Review status: criteria provided, single submitter. Criteria: ACMG Guidelines, 2015. Collection method: clinical testing. Allele origin: germline.

Mayo Clinic Laboratories, Mayo Clinic
Classification: Benign. Last evaluated: 2024-04-30. Review status: criteria provided, single submitter. Criteria: ACMG Guidelines, 2015. Collection method: clinical testing. Allele origin: germline. Observed: 4 variant alleles.
Comment: BS1, BS2, BP3